The following is an entry in ClinVar:

NM_001267550.2(TTN):c.16957G>A (p.Asp5653Asn)

Genes: TTN (titin; minus strand), LOC126806431 (CDK7 strongly-dependent group 2 enhancer GRCh37_chr2:179595719-179596918; plus strand). Cytogenetic location: 2q31.2.
Variant type: single nucleotide variant.
Coding change: c.16957G>A on transcript NM_001267550.2 (MANE Select); coding-DNA position 16957, G replaced by A.
Protein change: p.Asp5653Asn; replaces aspartic acid 5653 with asparagine.
Molecular consequence: missense variant. On other transcripts: intron variant (3).
Genome position (GRCh38, 1-based): chr2:178,731,918, C>T on the plus strand (G>A on the coding strand, the complement: TTN is on the minus strand). VCF-style: chr2-178731918-C-T. GRCh37 (hg19) VCF-style: chr2-179596645-C-T.
Other names: c.16006G>A, p.Asp5336Asn (NM_001256850.1); c.13225G>A, p.Asp4409Asn (NM_133378.4); c.13282+6164G>A (NM_003319.4); c.13858+6164G>A (NM_133437.4); c.13657+6164G>A (NM_133432.3); short protein forms D5653N, D4409N, D5336N.
Identifiers: ClinVar variation 3778537 (VCV003778537.8), dbSNP rs267599067.

ClinVar aggregate classification (germline): Uncertain significance. Review status: criteria provided, multiple submitters, no conflicts (2 of 4 stars). 2 submissions from 2 submitters: Uncertain significance (2). Last evaluated 2025-11-17.

Conditions:
TTN-related disorder. Also called: TTN-related disorders; TTN-related condition; TTN-related disease.

gnomAD v4.1: 16 of 1,613,442 alleles (0.00099%); highest among the groups gnomAD compares: South Asian, 0.0044%; no homozygotes.

Submissions (2):

PreventionGenetics, part of Exact Sciences
Classification: Uncertain significance for TTN-related condition. Last evaluated: 2025-11-17. Review status: criteria provided, single submitter. Criteria: ACMG Guidelines, 2015. Collection method: clinical testing. Allele origin: germline.
Comment: The TTN c.16957G>A variant is predicted to result in the amino acid substitution p.Asp5653Asn. To our knowledge, this variant has not been reported in the literature. This variant is reported in 0.0033% of alleles in individuals of South Asian descent in gnomAD. At this time, the clinical significance of this variant is uncertain due to the absence of conclusive functional and genetic evidence.

CeGaT Center for Human Genetics Tuebingen
Classification: Uncertain significance. Last evaluated: 2025-03-01. Review status: criteria provided, single submitter. Criteria: CeGaT Center For Human Genetics Tuebingen Variant Classification Criteria Version 2. Collection method: clinical testing. Allele origin: germline. Affected: yes. Observed: 1 variant allele.
Comment: TTN: PM2